The following is an entry in ClinVar:

NM_053025.4(MYLK):c.1830G>T (p.Glu610Asp)

Gene: MYLK (myosin light chain kinase; minus strand). Cytogenetic location: 3q21.1.
Variant type: single nucleotide variant.
Coding change: c.1830G>T on transcript NM_053025.4 (MANE Select); coding-DNA position 1830, G replaced by T.
Protein change: p.Glu610Asp; replaces glutamic acid 610 with aspartic acid.
Molecular consequence: missense variant.
Genome position (GRCh38, 1-based): chr3:123,709,868, C>A on the plus strand (G>T on the coding strand, the complement: MYLK is on the minus strand). VCF-style: chr3-123709868-C-A. GRCh37 (hg19) VCF-style: chr3-123428715-C-A.
Other names: c.1302G>T, p.Glu434Asp (NM_001321309.2); c.1623G>T, p.Glu541Asp (NM_053026.4, NM_053028.4); c.1830G>T, p.Glu610Asp (NM_053027.4); short protein forms E434D, E610D, E541D.
Identifiers: ClinVar variation 3297612 (VCV003297612.1).
Genomic context (GRCh38, chr3:123,709,868, plus strand): 5'-AGAGAGGCCCTGCAGGAAGATGGGTGCAGTGGGCTTGCTGGGAGCCACAGGCAGAAGGTA[C>A]TCACTCTTCCTGCTACTCTTCTTTTCTGTGTGGTAGAAAACAGAACGTGGGGTGAACATT-3'
Protein context (NP_444253.3, residues 600-620): VHEKKSSRKS[Glu610Asp]YLLPVAPSKP

ClinVar aggregate classification (germline): Uncertain significance (1 of 4 stars; one submission).

Conditions:
Familial thoracic aortic aneurysm and aortic dissection (TAAD). Also called: Thoracic aortic aneurysms and dissections. Identifiers: Orphanet 91387, MedGen C4707243, MONDO:0019625.

gnomAD v4.1: 1 of 1,614,062 alleles (0.000062%); highest among the groups gnomAD compares: Non-Finnish European, 0.000085%; no homozygotes.

Submission:

Ambry Genetics
Classification: Uncertain significance for Familial thoracic aortic aneurysm and aortic dissection. Last evaluated: 2024-05-22. Review status: criteria provided, single submitter. Criteria: Ambry Variant Classification Scheme 2023. Collection method: clinical testing. Allele origin: germline.
Comment: The p.E610D variant (also known as c.1830G>T), located in coding exon 11 of the MYLK gene, results from a G to T substitution at nucleotide position 1830. The glutamic acid at codon 610 is replaced by aspartic acid, an amino acid with highly similar properties. This amino acid position is conserved. In addition, this alteration is predicted to be tolerated by in silico analysis. Based on the available evidence, the clinical significance of this variant remains unclear.